The following is an entry in ClinVar:

NM_001378454.1(ALMS1):c.506A>G (p.Asp169Gly)

Gene: ALMS1 (ALMS1 centrosome and basal body associated protein; plus strand). Cytogenetic location: 2p13.1.
Variant type: single nucleotide variant.
Coding change: c.506A>G on transcript NM_001378454.1 (MANE Select); coding-DNA position 506, A replaced by G.
Protein change: p.Asp169Gly; replaces aspartic acid 169 with glycine.
Molecular consequence: missense variant.
Genome position (GRCh38, 1-based): chr2:73,419,178, A>G. VCF-style: chr2-73419178-A-G. GRCh37 (hg19) VCF-style: chr2-73646306-A-G.
Other names: c.509A>G, p.Asp170Gly (NM_015120.4); short protein forms D170G, D169G.
Identifiers: ClinVar variation 4736968 (VCV004736968.1).
Genomic context (GRCh38, chr2:73,419,178, plus strand): 5'-TCTAGAAAACAGAATCTTGGCATTGTCTTCCTCAAGAAATGGACTCTTCCCAAACCTTGG[A>G]TACATCCCAGACTAGGTTTAATGTGAGAACGGAAGATACTGAAGTGACAGACTTCCCCTC-3'
Protein context (NP_001365383.1, residues 159-179): PQEMDSSQTL[Asp169Gly]TSQTRFNVRT

ClinVar aggregate classification (germline): Uncertain significance (1 of 4 stars; one submission).

Conditions:
Alstrom syndrome (ALMS). Identifiers: Orphanet 64, MedGen C0268425, MONDO:0008763, OMIM 203800.

gnomAD v4.1: 2 of 1,614,084 alleles (0.00012%); highest among the groups gnomAD compares: East Asian, 0.0022%; no homozygotes.

Submission:

Labcorp Genetics (formerly Invitae), Labcorp
Classification: Uncertain significance for Alstrom syndrome. Last evaluated: 2025-08-28. Review status: criteria provided, single submitter. Criteria: Invitae Variant Classification Sherloc (09022015). Collection method: clinical testing. Allele origin: germline.
Comment: This sequence change replaces aspartic acid, which is acidic and polar, with glycine, which is neutral and non-polar, at codon 170 of the ALMS1 protein (p.Asp170Gly). This variant is present in population databases (no rsID available, gnomAD 0.006%). This variant has not been reported in the literature in individuals affected with ALMS1-related conditions. Experimental studies and prediction algorithms are not available or were not evaluated, and the functional significance of this variant is currently unknown. In summary, the available evidence is currently insufficient to determine the role of this variant in disease. Therefore, it has been classified as a Variant of Uncertain Significance.